The following is an entry in ClinVar:

NM_020549.5(CHAT):c.188C>T (p.Ala63Val)

Gene: CHAT (choline O-acetyltransferase; plus strand). Cytogenetic location: 10q11.23.
Variant type: single nucleotide variant.
Coding change: c.188C>T on transcript NM_020549.5 (MANE Select); coding-DNA position 188, C replaced by T.
Protein change: p.Ala63Val; replaces alanine 63 with valine.
Molecular consequence: missense variant. On other transcripts: 5 prime UTR variant (4), intron variant (2).
Genome position (GRCh38, 1-based): chr10:49,614,377, C>T. VCF-style: chr10-49614377-C-T. GRCh37 (hg19) VCF-style: chr10-50822423-C-T.
Other names: c.-167C>T (NM_001142929.2, NM_020985.4); c.-129C>T (NM_001142933.2); c.-237C>T (NM_001142934.2); c.-68-2125C>T (NM_020984.4); c.-69+1175C>T (NM_020986.4); short protein forms A63V.
Identifiers: ClinVar variation 2151849 (VCV002151849.4), dbSNP rs2496287791, ClinGen allele CA376725245.
Genomic context (GRCh38, chr10:49,614,377, plus strand): 5'-GGGACCCGGGCGACGTCGGAGGCCCTGCCGGGAACCCAGGCTGCAGCCCCCACCCCCGCG[C>T]TGCGACACGCCCCCCACCCCTTCCGGCTCACACCCCCGCCCACACTCCTGAGTGGTGCGG-3'
Protein context (NP_065574.4, residues 53-73): GNPGCSPHPR[Ala63Val]ATRPPPLPAH

ClinVar aggregate classification (germline): Uncertain significance (1 of 4 stars; one submission).

Conditions:
Familial infantile myasthenia (CMS6). Also called: Congenital myasthenic syndrome type 6; MYASTHENIC SYNDROME, PRESYNAPTIC, CONGENITAL, ASSOCIATED WITH EPISODIC APNEA; MYASTHENIC SYNDROME, CONGENITAL, 6, PRESYNAPTIC. Identifiers: Orphanet 590, MedGen C0393929, MONDO:0009689, OMIM 254210.

Submission:

Labcorp Genetics (formerly Invitae), Labcorp
Classification: Uncertain significance for Familial infantile myasthenia. Last evaluated: 2022-08-15. Review status: criteria provided, single submitter. Criteria: Invitae Variant Classification Sherloc (09022015). Collection method: clinical testing. Allele origin: germline.
Comment: In summary, the available evidence is currently insufficient to determine the role of this variant in disease. Therefore, it has been classified as a Variant of Uncertain Significance. Advanced modeling of protein sequence and biophysical properties (such as structural, functional, and spatial information, amino acid conservation, physicochemical variation, residue mobility, and thermodynamic stability) performed at Invitae indicates that this missense variant is not expected to disrupt CHAT protein function. This variant has not been reported in the literature in individuals affected with CHAT-related conditions. This variant is not present in population databases (gnomAD no frequency). This sequence change replaces alanine, which is neutral and non-polar, with valine, which is neutral and non-polar, at codon 63 of the CHAT protein (p.Ala63Val).